The following is an entry in ClinVar:

ClinVar aggregate classification (germline): Likely pathogenic (0 of 4 stars; one submission).

Conditions:
Motor and sensory neuropathy.

Submission:

Medical Institute of Bioregulation, Kyushu university
Classification: Likely pathogenic for Motor and sensory neuropathy. Last evaluated: 2019-02-20. Review status: no assertion criteria provided. Collection method: clinical testing. Allele origin: germline. Affected: yes.
Comment: We confirmed NM_178229.4:c.3422+6T>A is absent in the 500 Japanese healthy individuals validated by Sanger sequencing.

NM_178229.5(IQGAP3):c.3422+6T>A

Gene: IQGAP3 (IQ motif containing GTPase activating protein 3; minus strand). Cytogenetic location: 1q22.
Variant type: single nucleotide variant.
Coding change: c.3422+6T>A on transcript NM_178229.5 (MANE Select); 6 bases into the intron after coding-DNA position 3422, T replaced by A.
Molecular consequence: intron variant.
Genome position (GRCh38, 1-based): chr1:156,537,175, A>T on the plus strand (T>A on the coding strand, the complement: IQGAP3 is on the minus strand). VCF-style: chr1-156537175-A-T. GRCh37 (hg19) VCF-style: chr1-156506967-A-T.
Identifiers: ClinVar variation 694497 (VCV000694497.2), dbSNP rs1571320137, ClinGen allele CA915941470.